The following is an entry in ClinVar:

NM_002693.3(POLG):c.2648G>A (p.Gly883Asp)

Gene: POLG (DNA polymerase gamma, catalytic subunit; minus strand). Cytogenetic location: 15q26.1.
Variant type: single nucleotide variant.
Coding change: c.2648G>A on transcript NM_002693.3 (MANE Select); coding-DNA position 2648, G replaced by A.
Protein change: p.Gly883Asp; replaces glycine 883 with aspartic acid.
Molecular consequence: missense variant.
Genome position (GRCh38, 1-based): chr15:89,321,211, C>T on the plus strand (G>A on the coding strand, the complement: POLG is on the minus strand). VCF-style: chr15-89321211-C-T. GRCh37 (hg19) VCF-style: chr15-89864442-C-T.
Other names: c.2648G>A, p.Gly883Asp (NM_001126131.2); short protein forms G883D.
Identifiers: ClinVar variation 2695646 (VCV002695646.3), dbSNP rs2509219162, ClinGen allele CA393753789.

ClinVar aggregate classification (germline): Uncertain significance (1 of 4 stars; one submission).

Conditions:
Progressive sclerosing poliodystrophy (MTDPS4A). Also called: ALPERS PROGRESSIVE INFANTILE POLIODYSTROPHY; NEURONAL DEGENERATION OF CHILDHOOD WITH LIVER DISEASE, PROGRESSIVE; Mitochondrial DNA depletion syndrome 4A (Alpers type); Mitochondrial DNA Depletion Syndrome 4A; Alpers-Huttenlocher Syndrome (AHS); Alpers Syndrome. Identifiers: Orphanet 726, MedGen C0205710, MONDO:0008758, OMIM 203700.

Submission:

Labcorp Genetics (formerly Invitae), Labcorp
Classification: Uncertain significance for Progressive sclerosing poliodystrophy. Last evaluated: 2023-11-13. Review status: criteria provided, single submitter. Criteria: Invitae Variant Classification Sherloc (09022015). Collection method: clinical testing. Allele origin: germline.
Comment: This sequence change replaces glycine, which is neutral and non-polar, with aspartic acid, which is acidic and polar, at codon 883 of the POLG protein (p.Gly883Asp). This variant is not present in population databases (gnomAD no frequency). This variant has not been reported in the literature in individuals affected with POLG-related conditions. Advanced modeling of protein sequence and biophysical properties (such as structural, functional, and spatial information, amino acid conservation, physicochemical variation, residue mobility, and thermodynamic stability) performed at Invitae indicates that this missense variant is expected to disrupt POLG protein function with a positive predictive value of 95%. In summary, the available evidence is currently insufficient to determine the role of this variant in disease. Therefore, it has been classified as a Variant of Uncertain Significance.